The following is an entry in ClinVar:

ClinVar aggregate classification (germline): Pathogenic. Review status: criteria provided, multiple submitters, no conflicts (2 of 4 stars). 2 submissions from 2 submitters: Pathogenic (2). Last evaluated 2024-11-02.

Conditions:
Autosomal recessive limb-girdle muscular dystrophy. Identifiers: Orphanet 102015, MedGen C2931907, MONDO:0015152.
Neuromuscular disease caused by qualitative or quantitative defects of dysferlin. Also called: Qualitative or quantitative defects of dysferlin; Dysferlinopathy. Identifiers: Orphanet 207073, MedGen C2931687, MONDO:0016145.

Submissions (2):

Myriad Genetics, Inc.
Classification: Pathogenic for Autosomal recessive limb-girdle muscular dystrophy. Last evaluated: 2024-11-02. Review status: criteria provided, single submitter. Criteria: Myriad Autosomal Dominant, Autosomal Recessive and X-Linked Classification Criteria (2023). Collection method: clinical testing. Allele origin: unknown.
Comment: NM_003494.3(DYSF):c.3225dupT(G1076Wfs*38) is expected to be pathogenic in the context of dysferlinopathy. This variant is predicted to lead to an abnormal or absent protein product due to the creation of a premature termination codon in DYSF, a gene where loss-of-function variants are known to be pathogenic. Please note: this variant was assessed in the context of healthy population screening.

Labcorp Genetics (formerly Invitae), Labcorp
Classification: Pathogenic for Neuromuscular disease caused by qualitative or quantitative defects of dysferlin. Last evaluated: 2024-02-23. Review status: criteria provided, single submitter. Criteria: Invitae Variant Classification Sherloc (09022015). Collection method: clinical testing. Allele origin: germline.
Comment: This sequence change creates a premature translational stop signal (p.Gly1076Trpfs*38) in the DYSF gene. It is expected to result in an absent or disrupted protein product. Loss-of-function variants in DYSF are known to be pathogenic (PMID: 17698709, 20301480). This variant is not present in population databases (gnomAD no frequency). This premature translational stop signal has been observed in individual(s) with DYSF-related conditions (PMID: 36419651). ClinVar contains an entry for this variant (Variation ID: 2125160). For these reasons, this variant has been classified as Pathogenic.

Literature cited by the submitters: PubMed 17698709 (cited by Labcorp Genetics (formerly Invitae), Labcorp); PubMed 20301480 (cited by Labcorp Genetics (formerly Invitae), Labcorp); PubMed 36419651 (cited by Labcorp Genetics (formerly Invitae), Labcorp).

NM_001130987.2(DYSF):c.3279dup (p.Gly1094fs)

Gene: DYSF (dysferlin; plus strand). Cytogenetic location: 2p13.2.
Variant type: Duplication.
Coding change: c.3279dup on transcript NM_001130987.2 (MANE Select); coding-DNA position 3279, one base duplicated (T; older notation c.3279dupT).
Protein change: p.Gly1094fs; shifts the reading frame from glycine 1094.
Molecular consequence: frameshift variant.
Genome position (GRCh38, 1-based): chr2:71,574,248, T duplicated; the last of 5 consecutive T bases (chr2:71,574,244-71,574,248); duplicating any one gives the same sequence. VCF-style (leftmost placement, unchanged base first): chr2-71574243-C-CT. GRCh37 (hg19) VCF-style: chr2-71801373-C-CT.
Other names: c.3228dup, p.Gly1077fs (NM_001130455.2, NM_001130983.2); c.3183dup, p.Gly1062fs (NM_001130976.2, NM_001130977.2); c.3225dup, p.Gly1076fs (NM_001130978.2, NM_003494.4); c.3318dup, p.Gly1107fs (NM_001130979.2); c.3276dup, p.Gly1093fs (NM_001130980.2, NM_001130981.2); c.3321dup, p.Gly1108fs (NM_001130982.2); c.3186dup, p.Gly1063fs (NM_001130984.2, NM_001130986.2); c.3279dup, p.Gly1094fs (NM_001130985.2); short protein forms G1062fs, G1063fs, G1077fs, G1094fs, G1093fs, G1076fs, G1107fs, G1108fs.
Identifiers: ClinVar variation 2125160 (VCV002125160.5), dbSNP rs2545875886, ClinGen allele CA2580067864.